The following is an entry in ClinVar:

NM_001165963.4(SCN1A):c.4027G>T (p.Ala1343Ser)

Genes: SCN1A (sodium voltage-gated channel alpha subunit 1; minus strand), LOC102724058 (uncharacterized LOC102724058; plus strand). Cytogenetic location: 2q24.3.
Variant type: single nucleotide variant.
Coding change: c.4027G>T on transcript NM_001165963.4 (MANE Select); coding-DNA position 4027, G replaced by T.
Protein change: p.Ala1343Ser; replaces alanine 1343 with serine.
Molecular consequence: missense variant. On other transcripts: non-coding transcript variant (1).
Genome position (GRCh38, 1-based): chr2:166,002,729, C>A on the plus strand (G>T on the coding strand, the complement: SCN1A is on the minus strand). VCF-style: chr2-166002729-C-A. GRCh37 (hg19) VCF-style: chr2-166859239-C-A.
Other names: c.3943G>T, p.Ala1315Ser (NM_001165964.3, NM_001353957.2, NM_001353958.2); c.4027G>T, p.Ala1343Ser (NM_001202435.3, NM_001353948.2); c.3994G>T, p.Ala1332Ser (NM_001353949.2, NM_001353950.2, NM_001353951.2 and 2 more transcripts); c.3991G>T, p.Ala1331Ser (NM_001353954.2, NM_001353955.2); c.3940G>T, p.Ala1314Ser (NM_001353960.2); c.1585G>T, p.Ala529Ser (NM_001353961.2); short protein forms A1332S, A1343S, A1315S, A1331S, A529S, A1314S.
Identifiers: ClinVar variation 461268 (VCV000461268.12), dbSNP rs796053006, ClinGen allele CA349050786.

ClinVar aggregate classification (germline): Conflicting classifications of pathogenicity. Review status: criteria provided, conflicting classifications (1 of 4 stars). 3 submissions from 3 submitters: Likely pathogenic (2); Uncertain significance (1). Last evaluated 2023-06-20.

Conditions:
Early-infantile DEE. Also called: Early infantile epileptic encephalopathy; Early infantile epileptic encephalopathy with suppression bursts; Ohtahara syndrome. Identifiers: Orphanet 1934, MedGen C0393706, MONDO:0800491.

Submissions (3):

GeneDx
Classification: Likely pathogenic. Last evaluated: 2023-06-20. Review status: criteria provided, single submitter. Criteria: GeneDx Variant Classification Process June 2021. Collection method: clinical testing. Allele origin: germline. Affected: yes.
Comment: Not observed at significant frequency in large population cohorts (gnomAD); Missense variants in this gene are often considered pathogenic (HGMD); In silico analysis supports that this missense variant has a deleterious effect on protein structure/function; This substitution is predicted to be within the intracellular loop between the S4 and S5 transmembrane segments of the third homologous domain; Has not been previously published as pathogenic or benign to our knowledge

Blueprint Genetics
Classification: Uncertain significance. Last evaluated: 2021-06-28. Review status: criteria provided, single submitter. Criteria: ACMG Guidelines, 2015. Collection method: clinical testing. Allele origin: germline.

Labcorp Genetics (formerly Invitae), Labcorp
Classification: Likely pathogenic for Early-infantile DEE. Last evaluated: 2021-05-27. Review status: criteria provided, single submitter. Criteria: Invitae Variant Classification Sherloc (09022015). Collection method: clinical testing. Allele origin: germline.
Comment: In summary, the currently available evidence indicates that the variant is pathogenic, but additional data are needed to prove that conclusively. Therefore, this variant has been classified as Likely Pathogenic. Advanced modeling of protein sequence and biophysical properties (such as structural, functional, and spatial information, amino acid conservation, physicochemical variation, residue mobility, and thermodynamic stability) performed at Invitae indicates that this missense variant is expected to disrupt SCN1A protein function. This variant has been observed in individual(s) with clinical features of SCN1A-related conditions (Invitae). ClinVar contains an entry for this variant (Variation ID: 461268). This variant is not present in population databases (ExAC no frequency). This sequence change replaces alanine with serine at codon 1343 of the SCN1A protein (p.Ala1343Ser). The alanine residue is highly conserved and there is a moderate physicochemical difference between alanine and serine.